The following is an entry in ClinVar:

ClinVar aggregate classification (germline): Uncertain significance (1 of 4 stars; one submission).

Submission:

Cytogenetics Laboratory, University of Washington
Classification: Uncertain significance. Last evaluated: 2015-04-21. Review status: criteria provided, single submitter. Criteria: UW Cytogenetics and Genomics Laboratory Policy on CNV Interpretation (5/6/2015). Collection method: clinical testing. Allele origin: unknown. Affected: yes. Observed: 1 variant allele.

GRCh37/hg19 5q21.1(chr5:98241365-98339090)x3

Gene: CHD1 (chromodomain helicase DNA binding protein 1; minus strand). Cytogenetic location: 5q21.1.
Variant type: copy number gain.
Change: copy number 3 (three copies instead of two) of chr5:98,241,365-98,339,090 (97.7 kb, GRCh37 coordinates, 1-based), cytogenetic band 5q21.1.
Identifiers: ClinVar variation 202230 (VCV000202230.4).